The following is an entry in ClinVar:

ClinVar aggregate classification (germline): Likely benign (1 of 4 stars; one submission).

Submission:

CeGaT Center for Human Genetics Tuebingen
Classification: Likely benign. Last evaluated: 2023-03-01. Review status: criteria provided, single submitter. Criteria: CeGaT Center For Human Genetics Tuebingen Variant Classification Criteria Version 2. Collection method: clinical testing. Allele origin: germline. Affected: yes. Observed: 1 variant allele.
Comment: PHF6: PM2:Supporting, BP4, BP7

NM_001015877.2(PHF6):c.750C>A (p.Val250=)

Gene: PHF6 (PHD finger protein 6; plus strand). Cytogenetic location: Xq26.2.
Variant type: single nucleotide variant.
Coding change: c.750C>A on transcript NM_001015877.2 (MANE Select); coding-DNA position 750, C replaced by A.
Protein change: p.Val250=; no amino-acid change (valine 250 retained).
Molecular consequence: synonymous variant.
Genome position (GRCh38, 1-based): chrX:134,415,036, C>A. VCF-style: chrX-134415036-C-A. GRCh37 (hg19) VCF-style: chrX-133549066-C-A.
Other names: c.753C>A, p.Val251= (NM_032335.3); c.750C>A, p.Val250= (NM_032458.3).
Identifiers: ClinVar variation 2661474 (VCV002661474.24), dbSNP rs2520635929, ClinGen allele CA518651833.